The following is an entry in ClinVar:

NM_016151.4(TAOK2):c.373G>A (p.Glu125Lys)

Gene: TAOK2 (TAO kinase 2; plus strand). Cytogenetic location: 16p11.2.
Variant type: single nucleotide variant.
Coding change: c.373G>A on transcript NM_016151.4 (MANE Select); coding-DNA position 373, G replaced by A.
Protein change: p.Glu125Lys; replaces glutamic acid 125 with lysine.
Molecular consequence: missense variant.
Genome position (GRCh38, 1-based): chr16:29,978,994, G>A. VCF-style: chr16-29978994-G-A. GRCh37 (hg19) VCF-style: chr16-29990315-G-A.
Other names: c.373G>A, p.Glu125Lys (NM_001252043.2, NM_004783.4); short protein forms E125K.
Identifiers: ClinVar variation 4714055 (VCV004714055.1).

ClinVar aggregate classification (germline): Uncertain significance (1 of 4 stars; one submission).

Submission:

Labcorp Genetics (formerly Invitae), Labcorp
Classification: Uncertain significance. Last evaluated: 2025-03-05. Review status: criteria provided, single submitter. Criteria: Invitae Variant Classification Sherloc (09022015). Collection method: clinical testing. Allele origin: germline.
Comment: This sequence change replaces glutamic acid, which is acidic and polar, with lysine, which is basic and polar, at codon 125 of the TAOK2 protein (p.Glu125Lys). This variant is not present in population databases (gnomAD no frequency). This variant has not been reported in the literature in individuals affected with TAOK2-related conditions. An algorithm developed to predict the effect of missense changes on protein structure and function (PolyPhen-2) suggests that this variant is likely to be disruptive. In summary, the available evidence is currently insufficient to determine the role of this variant in disease. Therefore, it has been classified as a Variant of Uncertain Significance.